The following is an entry in ClinVar:

NM_198576.4(AGRN):c.463+5G>A

Genes: AGRN (agrin; plus strand), LOC126805576 (P300/CBP strongly-dependent group 1 enhancer GRCh37_chr1:956772-957971; plus strand). Cytogenetic location: 1p36.33.
Variant type: single nucleotide variant.
Coding change: c.463+5G>A on transcript NM_198576.4 (MANE Select); 5 bases into the intron after coding-DNA position 463, G replaced by A.
Molecular consequence: intron variant.
Genome position (GRCh38, 1-based): chr1:1,022,467, G>A. VCF-style: chr1-1022467-G-A. GRCh37 (hg19) VCF-style: chr1-957847-G-A.
Other names: c.463+5G>A (NM_001305275.2).
Identifiers: ClinVar variation 1044551 (VCV001044551.4), dbSNP rs779919649, ClinGen allele CA507827.

ClinVar aggregate classification (germline): Uncertain significance (1 of 4 stars; one submission).

Conditions:
Congenital myasthenic syndrome 8. Also called: MYASTHENIC SYNDROME, CONGENITAL, DUE TO AGRIN DEFICIENCY; Myasthenic syndrome, congenital, 8, with pre- and postsynaptic defects. Identifiers: Orphanet 590, MedGen C3808739, MONDO:0014052, OMIM 615120.

Allele frequency attached by ClinVar (database versions not stated): gnomAD 0.00001; gnomAD exomes 0.00001 and 0.00002; TOPMed 0.00001; ExAC 0.00002.
gnomAD v4.1: 15 of 1,604,486 alleles (0.00093%); highest among the groups gnomAD compares: Middle Eastern, 0.017%; no homozygotes.

Submission:

Labcorp Genetics (formerly Invitae), Labcorp
Classification: Uncertain significance for Congenital myasthenic syndrome 8. Last evaluated: 2022-07-04. Review status: criteria provided, single submitter. Criteria: Invitae Variant Classification Sherloc (09022015). Collection method: clinical testing. Allele origin: germline.
Comment: This sequence change falls in intron 2 of the AGRN gene. It does not directly change the encoded amino acid sequence of the AGRN protein. It affects a nucleotide within the consensus splice site. This variant is present in population databases (rs779919649, gnomAD 0.004%). This variant has not been reported in the literature in individuals affected with AGRN-related conditions. ClinVar contains an entry for this variant (Variation ID: 1044551). Variants that disrupt the consensus splice site are a relatively common cause of aberrant splicing (PMID: 17576681, 9536098). Algorithms developed to predict the effect of sequence changes on RNA splicing suggest that this variant may create or strengthen a splice site. In summary, the available evidence is currently insufficient to determine the role of this variant in disease. Therefore, it has been classified as a Variant of Uncertain Significance.

Literature cited by the submitters: PubMed 17576681; PubMed 9536098.